The following is an entry in ClinVar:

NM_003622.4(PPFIBP1):c.2943del (p.Glu982fs)

Gene: PPFIBP1 (PPFIB scaffold protein 1; plus strand). Cytogenetic location: 12p11.22.
Variant type: Deletion.
Coding change: c.2943del on transcript NM_003622.4 (MANE Select); coding-DNA position 2943, one base deleted (A; older notation c.2943delA).
Protein change: p.Glu982fs; shifts the reading frame from glutamic acid 982.
Molecular consequence: frameshift variant.
Genome position (GRCh38, 1-based): chr12:27,692,807, A deleted; the last of 4 consecutive A bases (chr12:27,692,804-27,692,807); deleting any one gives the same sequence. VCF-style (leftmost placement, unchanged base first): chr12-27692803-TA-T. GRCh37 (hg19) VCF-style: chr12-27845736-TA-T.
Other names: c.2502del, p.Glu835fs (NM_001198915.2); c.2868del, p.Glu957fs (NM_001198916.2); c.2961del, p.Glu988fs (NM_177444.3); short protein forms E835fs, E957fs, E982fs, E988fs.
Identifiers: ClinVar variation 4846907 (VCV004846907.1).

ClinVar aggregate classification (germline): Uncertain significance (1 of 4 stars; one submission).

Conditions:
Neurodevelopmental disorder with seizures, microcephaly, and brain abnormalities (NEDSMBA). Identifiers: MedGen C5774209, MONDO:0859283, OMIM 620024.

Submission:

Laboratorio de Genetica e Diagnostico Molecular, Hospital Israelita Albert Einstein
Classification: Uncertain significance for Neurodevelopmental disorder with seizures, microcephaly, and brain abnormalities. Last evaluated: 2025-05-21. Review status: criteria provided, single submitter. Criteria: ACMG Guidelines, 2015. Collection method: clinical testing. Allele origin: germline. Affected: yes.
Comment: ACMG classification criteria: PVS1 very strong, PM2 supporting